The following is an entry in ClinVar:

ClinVar aggregate classification (germline): Uncertain significance. Review status: criteria provided, multiple submitters, no conflicts (2 of 4 stars). 2 submissions from 2 submitters: Uncertain significance (2). Last evaluated 2025-04-01.

Conditions:
Inborn genetic diseases. Identifiers: MedGen C0950123, MeSH D030342.
Achondrogenesis, type IA (ACG1A). Identifiers: Orphanet 932, Orphanet 93299, MedGen C0265273, MONDO:0008701, OMIM 200600.

Allele frequency attached by ClinVar (database versions not stated): gnomAD exomes below 0.00001 and 0.00001; ExAC 0.00001; TOPMed 0.00002; gnomAD 0.00004 and 0.00005.
gnomAD v4.1: 10 of 1,613,714 alleles (0.00062%); highest among the groups gnomAD compares: African/African-American, 0.012%; no homozygotes.

Submissions (2):

Ambry Genetics
Classification: Uncertain significance for Inborn genetic diseases. Last evaluated: 2025-04-01. Review status: criteria provided, single submitter. Criteria: Ambry Variant Classification Scheme 2023. Collection method: clinical testing. Allele origin: germline.

Labcorp Genetics (formerly Invitae), Labcorp
Classification: Uncertain significance for Achondrogenesis, type IA. Last evaluated: 2022-07-12. Review status: criteria provided, single submitter. Criteria: Invitae Variant Classification Sherloc (09022015). Collection method: clinical testing. Allele origin: germline.
Comment: This sequence change replaces threonine, which is neutral and polar, with alanine, which is neutral and non-polar, at codon 94 of the TRIP11 protein (p.Thr94Ala). This variant is present in population databases (rs571262882, gnomAD 0.01%). This variant has not been reported in the literature in individuals affected with TRIP11-related conditions. ClinVar contains an entry for this variant (Variation ID: 1046276). Algorithms developed to predict the effect of missense changes on protein structure and function output the following: SIFT: "Not Available"; PolyPhen-2: "Benign"; Align-GVGD: "Not Available". The alanine amino acid residue is found in multiple mammalian species, which suggests that this missense change does not adversely affect protein function. In summary, the available evidence is currently insufficient to determine the role of this variant in disease. Therefore, it has been classified as a Variant of Uncertain Significance.

NM_004239.4(TRIP11):c.280A>G (p.Thr94Ala)

Gene: TRIP11 (thyroid hormone receptor interactor 11; minus strand). Cytogenetic location: 14q32.12.
Variant type: single nucleotide variant.
Coding change: c.280A>G on transcript NM_004239.4 (MANE Select); coding-DNA position 280, A replaced by G.
Protein change: p.Thr94Ala; replaces threonine 94 with alanine.
Molecular consequence: missense variant.
Genome position (GRCh38, 1-based): chr14:92,025,342, T>C on the plus strand (A>G on the coding strand, the complement: TRIP11 is on the minus strand). VCF-style: chr14-92025342-T-C. GRCh37 (hg19) VCF-style: chr14-92491686-T-C.
Other names: c.277A>G, p.Thr93Ala (NM_001321851.1); c.280A>G (NM_004239.3); short protein forms T93A, T94A.
Identifiers: ClinVar variation 1046276 (VCV001046276.7), dbSNP rs571262882, ClinGen allele CA7314238.
Genomic context (GRCh38, chr14:92,025,342, plus strand): 5'-CATATGAAGTAACTGTGATAACATTTACCTCTTTTTGTTGAAGTTGATTTCGGTAACTTG[T>C]AGATTGCTGCTTTATTTGAATCTCTGATGCTTCATGTTTCTCTTCTAGATCAGTACAAAG-3'
Protein context (NP_004230.2, residues 84-104): ASEIQIKQQS[Thr94Ala]SYRNQLQQKE